The following is an entry in ClinVar:

NM_003764.4(STX11):c.173T>C (p.Leu58Pro)

Gene: STX11 (syntaxin 11; plus strand). Cytogenetic location: 6q24.2.
Variant type: single nucleotide variant.
Coding change: c.173T>C on transcript NM_003764.4 (MANE Select); coding-DNA position 173, T replaced by C.
Protein change: p.Leu58Pro; replaces leucine 58 with proline.
Molecular consequence: missense variant.
Genome position (GRCh38, 1-based): chr6:144,186,800, T>C. VCF-style: chr6-144186800-T-C. GRCh37 (hg19) VCF-style: chr6-144507937-T-C.
Other names: c.173T>C (LRG_113t1); short protein forms L58P.
Identifiers: ClinVar variation 97001 (VCV000097001.17), dbSNP rs431905512, ClinGen allele CA267503.

ClinVar aggregate classification (germline): Pathogenic. Review status: criteria provided, multiple submitters, no conflicts (2 of 4 stars). 8 submissions from 8 submitters: Pathogenic (6). 2 of the submissions do not count toward it. Last evaluated 2024-06-13.

Conditions:
STX11-related disorder. Also called: STX11-related condition.
Familial hemophagocytic lymphohistiocytosis (FHL). Also called: Familial erythrophagocytic lymphohistiocytosis; Familial histiocytic reticulosis; Hereditary hemophagocytic lymphohistiocytosis. Identifiers: Orphanet 158038, Orphanet 540, MedGen C0272199, MONDO:0015541.
Familial hemophagocytic lymphohistiocytosis 4 (FHL4). Also called: STX11-Related Familial Hemophagocytic Lymphohistiocytosis (STX11-fHLH). Identifiers: Orphanet 540, MedGen C1863728, MONDO:0011336, OMIM 603552.

Allele frequency attached by ClinVar (database versions not stated): gnomAD exomes below 0.00001 and 0.00001; ExAC 0.00002.
gnomAD v4.1: 4 of 1,613,760 alleles (0.00025%); highest among the groups gnomAD compares: South Asian, 0.0044%; no homozygotes.

Submissions (8):

Fulgent Genetics
Classification: Pathogenic for Familial hemophagocytic lymphohistiocytosis 4. Last evaluated: 2024-06-13. Review status: criteria provided, single submitter. Criteria: ACMG Guidelines, 2015. Collection method: clinical testing. Allele origin: germline.

Women's Health and Genetics/Laboratory Corporation of America, LabCorp
Classification: Pathogenic for Familial hemophagocytic lymphohistiocytosis. Last evaluated: 2024-06-12. Review status: criteria provided, single submitter. Criteria: LabCorp Variant Classification Summary - May 2015. Collection method: clinical testing. Allele origin: germline.
Comment: Variant summary: STX11 c.173T>C (p.Leu58Pro) results in a non-conservative amino acid change located in the Syntaxin, N-terminal domain (IPR006011) of the encoded protein sequence. Four of five in-silico tools predict a damaging effect of the variant on protein function. The variant allele was found at a frequency of 8e-06 in 250684 control chromosomes. c.173T>C has been reported in the literature in multiple homozygous individuals affected with Familial Hemophagocytic Lymphohistiocytosis (e.g. Mller_2013, Khan_2015). These data indicate that the variant is very likely to be associated with disease. At least one publication reports experimental evidence evaluating an impact on protein function. The most pronounced variant effect results in significantly reduced cytotoxic activity and degranulation capacity in mouse CD8+ T cells (Noori_2023). The following publications have been ascertained in the context of this evaluation (PMID: 26004995, 24459464, 36706356). ClinVar contains an entry for this variant (Variation ID: 97001). Based on the evidence outlined above, the variant was classified as pathogenic.

Labcorp Genetics (formerly Invitae), Labcorp
Classification: Pathogenic for Familial hemophagocytic lymphohistiocytosis 4. Last evaluated: 2024-05-23. Review status: criteria provided, single submitter. Criteria: Invitae Variant Classification Sherloc (09022015). Collection method: clinical testing. Allele origin: germline.
Comment: This sequence change replaces leucine, which is neutral and non-polar, with proline, which is neutral and non-polar, at codon 58 of the STX11 protein (p.Leu58Pro). This variant is present in population databases (rs431905512, gnomAD 0.007%). This missense change has been observed in individuals with hemophagocytic lymphohistiocytosis (PMID: 24459464, 26004995; Invitae). ClinVar contains an entry for this variant (Variation ID: 97001). Advanced modeling of protein sequence and biophysical properties (such as structural, functional, and spatial information, amino acid conservation, physicochemical variation, residue mobility, and thermodynamic stability) performed at Invitae indicates that this missense variant is expected to disrupt STX11 protein function with a positive predictive value of 80%. Experimental studies have shown that this missense change affects STX11 function (PMID: 24459464). For these reasons, this variant has been classified as Pathogenic.

Genomic Medicine Center of Excellence, King Faisal Specialist Hospital and Research Centre
Classification: Pathogenic for Familial hemophagocytic lymphohistiocytosis 4. Last evaluated: 2024-03-25. Review status: criteria provided, single submitter. Criteria: ACMG Guidelines, 2015. Collection method: clinical testing. Allele origin: germline.

Blueprint Genetics
Classification: Pathogenic for STX11-related disorders. Last evaluated: 2019-10-08. Review status: criteria provided, single submitter. Criteria: ACMG Guidelines, 2015. Collection method: clinical testing. Allele origin: germline. Affected: yes. Observed: 1 variant allele.

Clinical Genetics and Genomics, Karolinska University Hospital
Classification: Pathogenic. Last evaluated: 2016-04-25. Review status: criteria provided, single submitter. Criteria: ACMG Guidelines, 2015. Collection method: clinical testing. Allele origin: germline. Affected: yes. Observed: 1 variant allele.

Biochemical Molecular Genetic Laboratory, King Abdulaziz Medical City
Classification: Uncertain significance for Familial hemophagocytic lymphohistiocytosis 4. Last evaluated: 2019-09-26. Review status: no assertion criteria provided. Collection method: clinical testing. Allele origin: germline. Affected: yes. Not counted in ClinVar's aggregate classification.

OMIM
Classification: Pathogenic for HEMOPHAGOCYTIC LYMPHOHISTIOCYTOSIS, FAMILIAL, 4. Last evaluated: 2014-01-14. Review status: no assertion criteria provided. Collection method: literature only. Allele origin: germline. Not counted in ClinVar's aggregate classification.

Literature cited by the submitters: PubMed 36706356 (cited by Women's Health and Genetics/Laboratory Corporation of America, LabCorp); PubMed 26004995 (cited by Women's Health and Genetics/Laboratory Corporation of America, LabCorp and Labcorp Genetics (formerly Invitae), Labcorp); PubMed 24459464 (cited by 3 submitters).